The following is an entry in ClinVar:

NM_021074.5(NDUFV2):c.583G>C (p.Asp195His)

Genes: NDUFV2 (NADH:ubiquinone oxidoreductase core subunit V2; plus strand), NDUFV2-AS1 (NDUFV2 antisense RNA 1; minus strand). Cytogenetic location: 18p11.22.
Variant type: single nucleotide variant.
Coding change: c.583G>C on transcript NM_021074.5 (MANE Select); coding-DNA position 583, G replaced by C.
Protein change: p.Asp195His; replaces aspartic acid 195 with histidine.
Molecular consequence: missense variant.
Genome position (GRCh38, 1-based): chr18:9,126,834, G>C. VCF-style: chr18-9126834-G-C. GRCh37 (hg19) VCF-style: chr18-9126832-G-C.
Other names: short protein forms D195H.
Identifiers: ClinVar variation 1435214 (VCV001435214.6), dbSNP rs777537998, ClinGen allele CA8887276.
Genomic context (GRCh38, chr18:9,126,834, plus strand): 5'-ATATATCGATATAAAAGAAAGTAATTTAAATATGACTATTGTTAATTTTTTTTCCAGGAG[G>C]ATTTGACAGCTAAGGATATTGAAGAAATTATTGATGAGCTCAAGGCTGGCAAAATCCCAA-3'
Protein context (NP_066552.2, residues 185-205): MVQINDNYYE[Asp195His]LTAKDIEEII

ClinVar aggregate classification (germline): Uncertain significance (1 of 4 stars; one submission).

Allele frequency attached by ClinVar (database versions not stated): gnomAD exomes below 0.00001 and 0.00001; ExAC 0.00001; TOPMed 0.00001.
gnomAD v4.1: 2 of 1,612,510 alleles (0.00012%); highest among the groups gnomAD compares: Admixed American, 0.0033%; no homozygotes.

Submission:

Labcorp Genetics (formerly Invitae), Labcorp
Classification: Uncertain significance. Last evaluated: 2022-08-09. Review status: criteria provided, single submitter. Criteria: Invitae Variant Classification Sherloc (09022015). Collection method: clinical testing. Allele origin: germline.
Comment: Algorithms developed to predict the effect of sequence changes on RNA splicing suggest that this variant may disrupt the consensus splice site. Algorithms developed to predict the effect of missense changes on protein structure and function are either unavailable or do not agree on the potential impact of this missense change (SIFT: "Deleterious"; PolyPhen-2: "Probably Damaging"; Align-GVGD: "Class C0"). ClinVar contains an entry for this variant (Variation ID: 1435214). This variant has not been reported in the literature in individuals affected with NDUFV2-related conditions. This variant is present in population databases (rs777537998, gnomAD 0.009%). This sequence change replaces aspartic acid, which is acidic and polar, with histidine, which is basic and polar, at codon 195 of the NDUFV2 protein (p.Asp195His). In summary, the available evidence is currently insufficient to determine the role of this variant in disease. Therefore, it has been classified as a Variant of Uncertain Significance.